The following is an entry in ClinVar:

ClinVar aggregate classification (germline): Uncertain significance (1 of 4 stars; one submission).

Submission:

Labcorp Genetics (formerly Invitae), Labcorp
Classification: Uncertain significance. Last evaluated: 2024-08-29. Review status: criteria provided, single submitter. Criteria: Invitae Variant Classification Sherloc (09022015). Collection method: clinical testing. Allele origin: germline.
Comment: This sequence change replaces isoleucine, which is neutral and non-polar, with threonine, which is neutral and polar, at codon 1584 of the ADCY10 protein (p.Ile1584Thr). This variant is present in population databases (no rsID available, gnomAD 0.007%). This variant has not been reported in the literature in individuals affected with ADCY10-related conditions. An algorithm developed to predict the effect of missense changes on protein structure and function (PolyPhen-2) suggests that this variant is likely to be disruptive. In summary, the available evidence is currently insufficient to determine the role of this variant in disease. Therefore, it has been classified as a Variant of Uncertain Significance.

NM_018417.6(ADCY10):c.4751T>C (p.Ile1584Thr)

Gene: ADCY10 (adenylate cyclase 10; minus strand). Cytogenetic location: 1q24.2.
Variant type: single nucleotide variant.
Coding change: c.4751T>C on transcript NM_018417.6 (MANE Select); coding-DNA position 4751, T replaced by C.
Protein change: p.Ile1584Thr; replaces isoleucine 1584 with threonine.
Molecular consequence: missense variant.
Genome position (GRCh38, 1-based): chr1:167,809,760, A>G on the plus strand (T>C on the coding strand, the complement: ADCY10 is on the minus strand). VCF-style: chr1-167809760-A-G. GRCh37 (hg19) VCF-style: chr1-167778997-A-G.
Other names: c.4292T>C, p.Ile1431Thr (NM_001167749.3); c.4475T>C, p.Ile1492Thr (NM_001297772.2); short protein forms I1492T, I1584T, I1431T.
Identifiers: ClinVar variation 3663831 (VCV003663831.2).
Genomic context (GRCh38, chr1:167,809,760, plus strand): 5'-TTAGCTCTCATCAGGAATTTGTTTTTTTGAAGATCCTGAATGTTTACCCTGCCTGCTACA[A>G]TTTTTTCCCATGATGGGAGACTCAAGATCGTCTGAAGCCATTGGTCTTCTTTTAACTCAG-3'
Protein context (NP_060887.2, residues 1574-1594): TILSLPSWEK[Ile1584Thr]VAGRVNIQDL